The following is an entry in ClinVar:

ClinVar aggregate classification (germline): Conflicting classifications of pathogenicity. Review status: criteria provided, conflicting classifications (1 of 4 stars). 6 submissions from 6 submitters: Pathogenic (4); Likely pathogenic (1); Uncertain significance (1). Last evaluated 2025-10-31.

Conditions:
Autism (AUTS). Also called: Autistic disorder of childhood onset; Autistic disorder. Identifiers: MedGen C0004352, MeSH D001321, MONDO:0005260, OMIM 209850, HP:0000717.
Karayol-Borroto-Haghshenas neurodevelopmental syndrome. Identifiers: MedGen C5975476, MONDO:0975836, OMIM 620985.

Submissions (6):

Ambry Genetics
Classification: Pathogenic. Last evaluated: 2025-10-31. Review status: criteria provided, single submitter. Criteria: Ambry Variant Classification Scheme 2023. Collection method: clinical testing. Allele origin: germline.
Comment: The c.694_697delTCTG (p.S232Tfs*10) alteration, located in exon 2 (coding exon 2) of the MSL2 gene, consists of a deletion of 4 nucleotides from position 694 to 697, causing a translational frameshift with a predicted alternate stop codon after 10 amino acids. This variant is not expected to trigger nonsense-mediated mRNA decay, and impacts the last 59% of the protein. However, premature stop codons are typically deleterious in nature and a significant portion of the protein is affected (Ambry internal data). This variant was not reported in population-based cohorts in the Genome Aggregation Database (gnomAD). This variant was determined to be de novo in at least one individual with features consistent with MSL2-related neurodevelopmental disorder (Karayol, 2024). Based on the available evidence, this alteration is classified as pathogenic.

3billion
Classification: Pathogenic for Karayol-Borroto-Haghshenas neurodevelopmental syndrome. Last evaluated: 2025-09-17. Review status: criteria provided, single submitter. Criteria: ACMG Guidelines, 2015. Collection method: clinical testing. Allele origin: germline. Affected: yes.
Comment: The variant is not observed in the gnomAD v4.1.0 dataset. Predicted Consequence/Location: Frameshift: predicted to result in a loss or disruption of normal protein function through protein truncation. Multiple pathogenic variants are reported in the predicted truncated region. The variant has been observed in multiple (>3) similarly affected unrelated individuals (PMID: 38815585). The variant has been previously reported as assumed (i.e. paternity and maternity not confirmed) de novo in at least two similarly affected unrelated individuals (PMID: 38815585). The variant has been reported at least twice as pathogenic with clinical assertions and evidence for the classification (ClinVar ID: VCV000638594). Therefore, this variant is classified as Pathogenic according to the recommendation of ACMG/AMP guideline.

Institute of Medical Genetics and Applied Genomics, University Hospital Tübingen
Classification: Likely pathogenic for Karayol-Borroto-Haghshenas neurodevelopmental syndrome. Last evaluated: 2025-06-16. Review status: criteria provided, single submitter. Criteria: ACMG Guidelines, 2015. Collection method: clinical testing. Allele origin: germline. Inheritance: Autosomal dominant inheritance. Affected: yes.

Genetics Laboratory, UDIAT-Centre Diagnòstic, Hospital Universitari Parc Tauli
Classification: Pathogenic for Karayol-Borroto-Haghshenas neurodevelopmental syndrome. Last evaluated: 2024-09-12. Review status: criteria provided, single submitter. Criteria: ACMG Guidelines, 2015. Collection method: clinical testing. Allele origin: unknown. Inheritance: Autosomal dominant inheritance. Affected: yes.
Comment: PVS1_strong;PS3_strong;PS4_strong;PM1_supporting

Undiagnosed Diseases Network, NIH
Classification: Pathogenic for Autism. Last evaluated: 2024-07-03. Review status: criteria provided, single submitter. Criteria: ACMG Guidelines, 2015. Collection method: clinical testing. Allele origin: unknown. Inheritance: Autosomal dominant inheritance. Affected: yes. Observed: 1 variant allele, 1 heterozygote. Study: Undiagnosed Diseases Network (NIH), UDN.

Blueprint Genetics
Classification: Uncertain significance. Last evaluated: 2020-06-24. Review status: criteria provided, single submitter. Criteria: ACMG Guidelines, 2015. Collection method: clinical testing. Allele origin: germline.

Literature cited by the submitters: PubMed 38815585 (cited by 3 submitters).

NM_018133.4(MSL2):c.694_697del (p.Ser232fs)

Gene: MSL2 (MSL complex subunit 2; minus strand). Cytogenetic location: 3q22.3.
Variant type: Microsatellite.
Coding change: c.694_697del on transcript NM_018133.4 (MANE Select); coding-DNA positions 694 to 697, 4 bases deleted (TCTG; older notation c.694_697delTCTG).
Protein change: p.Ser232fs; shifts the reading frame from serine 232.
Molecular consequence: frameshift variant.
Genome position (GRCh38, 1-based): chr3:136,152,184-136,152,187, CAGA deleted on the plus strand (TCTG on the coding strand, the reverse complement: MSL2 is on the minus strand); deleting any 4 consecutive bases within chr3:136,152,184-136,152,191 gives the same sequence; the c. name uses the placement nearest the transcript's 3' end. VCF-style (leftmost placement, unchanged base first): chr3-136152183-TCAGA-T. GRCh37 (hg19) VCF-style: chr3-135871025-TCAGA-T.
Other names: c.472_475del, p.Ser158fs (NM_001145417.2); c.694_697delTCTG (NM_018133.3); short protein forms S158fs, S232fs.
Identifiers: ClinVar variation 638594 (VCV000638594.9), dbSNP rs1576352885, ClinGen allele CA915941592.
Genomic context (GRCh38, chr3:136,152,183, plus strand): 5'-ATATCAATGCCTGTGGAACATAAGTCAGTGGCTACTGTGTCACAAACGGGTGGCAGGCTG[TCAGA>T]CAGATCCTCAGTTTTTATGTCAACAGTATTACATACGTCAATCGTATTTGAATGTTCAGG-3'